The following is an entry in ClinVar:

ClinVar aggregate classification (germline): Uncertain significance (1 of 4 stars; one submission).

Conditions:
Norman-Roberts syndrome (LIS2). Also called: Lissencephaly 2 (Norman-Roberts type). Identifiers: Orphanet 89844, MedGen C0796089, MONDO:0009760, OMIM 257320.
Familial temporal lobe epilepsy 7. Identifiers: Orphanet 101046, MedGen C4225327, MONDO:0014639, OMIM 616436.

Submission:

Labcorp Genetics (formerly Invitae), Labcorp
Classification: Uncertain significance for Familial temporal lobe epilepsy 7; Norman-Roberts syndrome. Last evaluated: 2021-12-02. Review status: criteria provided, single submitter. Criteria: Invitae Variant Classification Sherloc (09022015). Collection method: clinical testing. Allele origin: germline.
Comment: In summary, the available evidence is currently insufficient to determine the role of this variant in disease. Therefore, it has been classified as a Variant of Uncertain Significance. Algorithms developed to predict the effect of missense changes on protein structure and function are either unavailable or do not agree on the potential impact of this missense change (SIFT: "Deleterious"; PolyPhen-2: "Probably Damaging"; Align-GVGD: "Class C0"). This variant has not been reported in the literature in individuals affected with RELN-related conditions. This variant is not present in population databases (gnomAD no frequency). This sequence change replaces threonine, which is neutral and polar, with isoleucine, which is neutral and non-polar, at codon 2215 of the RELN protein (p.Thr2215Ile).

NM_005045.4(RELN):c.6644C>T (p.Thr2215Ile)

Gene: RELN (reelin; minus strand). Cytogenetic location: 7q22.1.
Variant type: single nucleotide variant.
Coding change: c.6644C>T on transcript NM_005045.4 (MANE Select); coding-DNA position 6644, C replaced by T.
Protein change: p.Thr2215Ile; replaces threonine 2215 with isoleucine.
Molecular consequence: missense variant.
Genome position (GRCh38, 1-based): chr7:103,542,758, G>A on the plus strand (C>T on the coding strand, the complement: RELN is on the minus strand). VCF-style: chr7-103542758-G-A. GRCh37 (hg19) VCF-style: chr7-103183205-G-A.
Other names: c.6644C>T, p.Thr2215Ile (NM_173054.3); short protein forms T2215I.
Identifiers: ClinVar variation 1517818 (VCV001517818.6), dbSNP rs2117134357, ClinGen allele CA368770274.